The following is an entry in ClinVar:

ClinVar aggregate classification (germline): Uncertain significance (1 of 4 stars; one submission).

Conditions:
Long QT syndrome 10 (LQT10). Identifiers: Orphanet 101016, Orphanet 768, MedGen C2678484, MONDO:0012737, OMIM 611819.

Submission:

Labcorp Genetics (formerly Invitae), Labcorp
Classification: Uncertain significance for Long QT syndrome 10. Last evaluated: 2023-07-25. Review status: criteria provided, single submitter. Criteria: Invitae Variant Classification Sherloc (09022015). Collection method: clinical testing. Allele origin: unknown.
Comment: In summary, the available evidence is currently insufficient to determine the role of this variant in disease. Therefore, it has been classified as a Variant of Uncertain Significance. This variant has not been reported in the literature in individuals affected with SCN4B-related conditions. This variant is a gross deletion of the genomic region encompassing exon(s) 5 of the SCN4B gene, which includes the termination codon. This deletion extends beyond the assayed region for this gene and therefore may encompass additional genes. While this deletion is not anticipated to lead to nonsense mediated decay, it is expected to alter mRNA translation or result in a truncated protein product.

NC_000011.9:g.(?_118007742)_(118007855_?)del

Gene: SCN4B (sodium voltage-gated channel beta subunit 4; minus strand). Cytogenetic location: 11q23.3.
Variant type: Deletion.
Identifiers: ClinVar variation 3244658 (VCV003244658.1).